The following is an entry in ClinVar:

ClinVar aggregate classification (germline): Conflicting classifications of pathogenicity. Review status: criteria provided, conflicting classifications (1 of 4 stars). 5 submissions from 5 submitters: Uncertain significance (3); Likely benign (2). Last evaluated 2026-08-31.

Conditions:
Cardiovascular phenotype. Identifiers: MedGen CN230736.
ALPK3-related disorder. Also called: ALPK3-related condition.

Allele frequency attached by ClinVar (database versions not stated): gnomAD exomes 0.00006; ExAC 0.00006; 1000 Genomes Project 30x 0.00016; 1000 Genomes Project 0.00020.
gnomAD v4.1: 86 of 1,612,198 alleles (0.0053%); highest among the groups gnomAD compares: South Asian, 0.074%; 2 homozygotes.

Submissions (5):

Ambry Genetics
Classification: Uncertain significance for Cardiovascular phenotype. Last evaluated: 2026-08-31. Review status: criteria provided, single submitter. Criteria: Ambry Variant Classification Scheme 2023. Collection method: clinical testing. Allele origin: germline.
Comment: The p.R738W variant (also known as c.2212C>T), located in coding exon 5 of the ALPK3 gene, results from a C to T substitution at nucleotide position 2212. The arginine at codon 738 is replaced by tryptophan, an amino acid with dissimilar properties. This amino acid position is not well conserved in available vertebrate species. In addition, this alteration is predicted to be tolerated by in silico analysis. Based on the available evidence, the clinical significance of this variant remains unclear.

PreventionGenetics, part of Exact Sciences
Classification: Uncertain significance for ALPK3-related condition. Last evaluated: 2026-06-01. Review status: criteria provided, single submitter. Criteria: ACMG Guidelines, 2015. Collection method: clinical testing. Allele origin: germline.
Comment: The ALPK3 c.2212C>T variant is predicted to result in the amino acid substitution p.Arg738Trp. To our knowledge, this variant has not been reported in the literature. This variant is reported in 0.030% of alleles in individuals of South Asian descent in gnomAD. At this time, the clinical significance of this variant is uncertain due to the absence of conclusive functional and genetic evidence.

Labcorp Genetics (formerly Invitae), Labcorp
Classification: Uncertain significance. Last evaluated: 2025-12-01. Review status: criteria provided, single submitter. Criteria: Invitae Variant Classification Sherloc (09022015). Collection method: clinical testing. Allele origin: germline.
Comment: This sequence change replaces arginine, which is basic and polar, with tryptophan, which is neutral and slightly polar, at codon 738 of the ALPK3 protein (p.Arg738Trp). This variant is present in population databases (rs560231523, gnomAD 0.03%). This variant has not been reported in the literature in individuals affected with ALPK3-related conditions. ClinVar contains an entry for this variant (Variation ID: 1436336). Invitae Evidence Modeling of protein sequence and biophysical properties (such as structural, functional, and spatial information, amino acid conservation, physicochemical variation, residue mobility, and thermodynamic stability) indicates that this missense variant is not expected to disrupt ALPK3 protein function with a negative predictive value of 80%. In summary, the available evidence is currently insufficient to determine the role of this variant in disease. Therefore, it has been classified as a Variant of Uncertain Significance.

Molecular Diagnostic Laboratory for Inherited Cardiovascular Disease, Montreal Heart Institute
Classification: Likely benign. Last evaluated: 2025-04-09. Review status: criteria provided, single submitter. Criteria: ACMG Guidelines, 2015. Collection method: clinical testing. Allele origin: germline. Affected: no.
Comment: BS1;BP1;BP4

Blueprint Genetics
Classification: Likely benign. Last evaluated: 2024-11-11. Review status: criteria provided, single submitter. Criteria: ACMG Guidelines, 2015. Collection method: clinical testing. Allele origin: germline.

NM_020778.5(ALPK3):c.1606C>T (p.Arg536Trp)

Genes: ALPK3 (alpha kinase 3; plus strand), LOC111718493 (skeletal muscle cis-regulatory module overlapping ALPK3; plus strand). Cytogenetic location: 15q25.3.
Variant type: single nucleotide variant.
Coding change: c.1606C>T on transcript NM_020778.5 (MANE Select); coding-DNA position 1606, C replaced by T.
Protein change: p.Arg536Trp; replaces arginine 536 with tryptophan.
Molecular consequence: missense variant.
Genome position (GRCh38, 1-based): chr15:84,840,885, C>T. VCF-style: chr15-84840885-C-T. GRCh37 (hg19) VCF-style: chr15-85384116-C-T.
Other names: c.2212C>T (NM_020778.4); short protein forms R536W.
Identifiers: ClinVar variation 1436336 (VCV001436336.12), dbSNP rs560231523, ClinGen allele CA7709234.